The following is an entry in ClinVar:

NM_001035.3(RYR2):c.11711G>A (p.Arg3904Gln)

Gene: RYR2 (ryanodine receptor 2; plus strand). Cytogenetic location: 1q43.
Variant type: single nucleotide variant.
Coding change: c.11711G>A on transcript NM_001035.3 (MANE Select); coding-DNA position 11711, G replaced by A.
Protein change: p.Arg3904Gln; replaces arginine 3904 with glutamine.
Molecular consequence: missense variant.
Genome position (GRCh38, 1-based): chr1:237,773,584, G>A. VCF-style: chr1-237773584-G-A. GRCh37 (hg19) VCF-style: chr1-237936884-G-A.
Other names: short protein forms R3904Q.
Identifiers: ClinVar variation 2774388 (VCV002774388.7), dbSNP rs1374006844, ClinGen allele CA345407832.

ClinVar aggregate classification (germline): Uncertain significance. Review status: criteria provided, multiple submitters, no conflicts (2 of 4 stars). 3 submissions from 3 submitters: Uncertain significance (3). Last evaluated 2025-05-15.

Conditions:
Catecholaminergic polymorphic ventricular tachycardia (CVPT). Also called: Catecholamine-induced polymorphic ventricular tachycardia. Identifiers: Orphanet 3286, MedGen C5574922, MONDO:0017990.
Catecholaminergic polymorphic ventricular tachycardia 1. Also called: VENTRICULAR TACHYCARDIA, STRESS-INDUCED POLYMORPHIC 1; VENTRICULAR TACHYCARDIA, CATECHOLAMINERGIC POLYMORPHIC, 1, WITH OR WITHOUT ATRIAL DYSFUNCTION AND/OR DILATED CARDIOMYOPATHY; RYR2-Related Catecholaminergic Polymorphic Ventricular Tachycardia. Identifiers: Orphanet 3286, MedGen C1631597, MONDO:0011484, OMIM 604772.
Cardiomyopathy (CMYO). Also called: Cardiomyopathies. Identifiers: Orphanet 167848, MedGen C0878544, MONDO:0004994, HP:0001638. Inheritance: Various modes of inheritance.

Allele frequency attached by ClinVar (database versions not stated): TOPMed below 0.00001; gnomAD exomes 0.00001.
gnomAD v4.1: 9 of 1,606,346 alleles (0.00056%); highest among the groups gnomAD compares: South Asian, 0.0011%; no homozygotes.

Submissions (3):

Labcorp Genetics (formerly Invitae), Labcorp
Classification: Uncertain significance for Catecholaminergic polymorphic ventricular tachycardia 1. Last evaluated: 2025-05-15. Review status: criteria provided, single submitter. Criteria: Invitae Variant Classification Sherloc (09022015). Collection method: clinical testing. Allele origin: germline.
Comment: This sequence change replaces arginine, which is basic and polar, with glutamine, which is neutral and polar, at codon 3904 of the RYR2 protein (p.Arg3904Gln). This variant is present in population databases (no rsID available, gnomAD 0.0009%). This variant has not been reported in the literature in individuals affected with RYR2-related conditions. ClinVar contains an entry for this variant (Variation ID: 2774388). Invitae Evidence Modeling of protein sequence and biophysical properties (such as structural, functional, and spatial information, amino acid conservation, physicochemical variation, residue mobility, and thermodynamic stability) has been performed for this missense variant. However, the output from this modeling did not meet the statistical confidence thresholds required to predict the impact of this variant on RYR2 protein function. In summary, the available evidence is currently insufficient to determine the role of this variant in disease. Therefore, it has been classified as a Variant of Uncertain Significance.

All of Us Research Program, National Institutes of Health
Classification: Uncertain significance for Catecholaminergic polymorphic ventricular tachycardia. Last evaluated: 2024-05-17. Review status: criteria provided, single submitter. Criteria: ACMG Guidelines, 2015. Collection method: clinical testing. Allele origin: germline. Inheritance: Autosomal dominant inheritance. Observed: 2 variant alleles, 2 heterozygotes.
Comment: This missense variant replaces arginine with glutamine at codon 3904 of the RYR2 protein. Computational prediction is inconclusive regarding the impact of this variant on protein structure and function (internally defined REVEL score threshold 0.5 < inconclusive < 0.7, PMID: 27666373). To our knowledge, functional studies have not been reported for this variant. This variant has not been reported in individuals affected with RYR2-related disorders in the literature. This variant has been identified in 1/248398 chromosomes in the general population by the Genome Aggregation Database (gnomAD). The available evidence is insufficient to determine the role of this variant in disease conclusively. Therefore, this variant is classified as a Variant of Uncertain Significance.

This study involves interpretation of variants in research participants for the purpose of population health screening. Participant phenotype was not available at the time of variant classification. Additional details can be found in publication PMID: 35346344, PMCID: PMC8962531

Color Diagnostics, LLC DBA Color Health
Classification: Uncertain significance for Cardiomyopathy. Last evaluated: 2024-03-07. Review status: criteria provided, single submitter. Criteria: ACMG Guidelines, 2015. Collection method: clinical testing. Allele origin: germline.
Comment: This missense variant replaces arginine with glutamine at codon 3904 of the RYR2 protein. Computational prediction is inconclusive regarding the impact of this variant on protein structure and function (internally defined REVEL score threshold 0.5 < inconclusive < 0.7, PMID: 27666373). To our knowledge, functional studies have not been reported for this variant. This variant has not been reported in individuals affected with RYR2-related disorders in the literature. This variant has been identified in 1/248398 chromosomes in the general population by the Genome Aggregation Database (gnomAD). The available evidence is insufficient to determine the role of this variant in disease conclusively. Therefore, this variant is classified as a Variant of Uncertain Significance.